The following is an entry in ClinVar:

ClinVar aggregate classification (germline): Conflicting classifications of pathogenicity. Review status: criteria provided, conflicting classifications (1 of 4 stars). 8 submissions from 8 submitters: Uncertain significance (4); Likely benign (3). 1 of the submissions does not count toward it. Last evaluated 2026-03-24.

Conditions:
FRAS1-related disorder. Also called: FRAS1-related condition.
Fraser syndrome 1 (FRASRS1). Also called: CRYPTOPHTHALMOS WITH OTHER MALFORMATIONS. Identifiers: Orphanet 2052, MedGen C4551480, MONDO:0054737, OMIM 219000.

Allele frequency attached by ClinVar (database versions not stated): gnomAD exomes 0.00020 and 0.00034; ExAC 0.00042; 1000 Genomes Project 30x 0.00047; ESP Exome Variant Server 0.00048; 1000 Genomes Project 0.00060; TOPMed 0.00072; gnomAD 0.00073.
gnomAD v4.1: 439 of 1,613,642 alleles (0.027%); highest among the groups gnomAD compares: African/African-American, 0.2%; 1 homozygote.

Submissions (8):

Women's Health and Genetics/Laboratory Corporation of America, LabCorp
Classification: Likely benign. Last evaluated: 2026-03-24. Review status: criteria provided, single submitter. Criteria: LabCorp Variant Classification Summary - May 2015. Collection method: clinical testing. Allele origin: germline.
Comment: Variant summary: FRAS1 c.4634C>T (p.Pro1545Leu) results in a non-conservative amino acid change in the encoded protein sequence. Algorithms developed to predict the effect of missense changes on protein structure and function are either unavailable or do not agree on the potential impact of this missense change. The variant allele was found at a frequency of 0.00034 in 248734 control chromosomes, predominantly at a frequency of 0.0021 within the African or African-American subpopulation in the gnomAD database. The observed variant frequency within African or African-American control individuals in the gnomAD database exceeds the estimated maximal expected allele frequency for disease-causing variants in FRAS1. To our knowledge, no occurrence of c.4634C>T in individuals affected with FRAS1-related conditions and no experimental evidence demonstrating its impact on protein function have been reported. ClinVar contains an entry for this variant (Variation ID: 349714). Based on the evidence outlined above, the variant was classified as likely benign.

CeGaT Center for Human Genetics Tuebingen
Classification: Likely benign. Last evaluated: 2026-01-01. Review status: criteria provided, single submitter. Criteria: CeGaT Center For Human Genetics Tuebingen Variant Classification Criteria Version 2. Collection method: clinical testing. Allele origin: germline. Affected: yes. Observed: 1 variant allele.
Comment: FRAS1: BP4

Fulgent Genetics
Classification: Likely benign for Fraser syndrome 1. Last evaluated: 2024-02-14. Review status: criteria provided, single submitter. Criteria: ACMG Guidelines, 2015. Collection method: clinical testing. Allele origin: germline.

Genetic Services Laboratory, University of Chicago
Classification: Uncertain significance. Last evaluated: 2023-08-22. Review status: criteria provided, single submitter. Criteria: ACMG Guidelines, 2015. Collection method: clinical testing. Allele origin: germline. Affected: no.
Comment: DNA sequence analysis of the FRAS1 gene demonstrated a sequence change, c.4634C>T, in exon 34 that results in an amino acid change, p.Pro1545Leu. This sequence change does not appear to have been previously described in individuals with FRAS1-related disorders. This sequence change has been described in the gnomAD database with a frequency of 0.18% in the African subpopulation (dbSNP rs201675499. The p.Pro1545Leu change affects a moderately conserved amino acid residue located in a domain of the FRAS1 protein that is not known to be functional. The p.Pro1545Leu substitution appears to be benign/possibly benign using several in-silico pathogenicity prediction tools (SIFT, PolyPhen2, Align GVGD, REVEL). Due to insufficient evidence and the lack of functional studies, the clinical significance of the p.Pro1545Leu change remains unknown at this time.

Labcorp Genetics (formerly Invitae), Labcorp
Classification: Uncertain significance. Last evaluated: 2022-10-17. Review status: criteria provided, single submitter. Criteria: Invitae Variant Classification Sherloc (09022015). Collection method: clinical testing. Allele origin: germline.
Comment: This sequence change replaces proline, which is neutral and non-polar, with leucine, which is neutral and non-polar, at codon 1545 of the FRAS1 protein (p.Pro1545Leu). This variant is present in population databases (rs201675499, gnomAD 0.2%). This variant has not been reported in the literature in individuals affected with FRAS1-related conditions. ClinVar contains an entry for this variant (Variation ID: 349714). Advanced modeling of protein sequence and biophysical properties (such as structural, functional, and spatial information, amino acid conservation, physicochemical variation, residue mobility, and thermodynamic stability) performed at Invitae indicates that this missense variant is not expected to disrupt FRAS1 protein function. In summary, the available evidence is currently insufficient to determine the role of this variant in disease. Therefore, it has been classified as a Variant of Uncertain Significance.

GeneDx
Classification: Uncertain significance. Last evaluated: 2021-04-23. Review status: criteria provided, single submitter. Criteria: GeneDx Variant Classification Process June 2021. Collection method: clinical testing. Allele origin: germline. Affected: yes.
Comment: Has not been previously published as pathogenic or benign to our knowledge; In silico analysis supports that this missense variant does not alter protein structure/function

Illumina Laboratory Services, Illumina
Classification: Uncertain significance for Fraser syndrome 1. Last evaluated: 2018-01-13. Review status: criteria provided, single submitter. Criteria: ICSL Variant Classification Criteria 13 December 2019. Collection method: clinical testing. Allele origin: germline.

PreventionGenetics, part of Exact Sciences
Classification: Likely benign for FRAS1-related condition. Last evaluated: 2022-06-14. Review status: no assertion criteria provided. Collection method: clinical testing. Allele origin: germline. Not counted in ClinVar's aggregate classification.
Comment: This variant is classified as likely benign based on ACMG/AMP sequence variant interpretation guidelines (Richards et al. 2015 PMID: 25741868, with internal and published modifications).

NM_025074.7(FRAS1):c.4634C>T (p.Pro1545Leu)

Gene: FRAS1 (Fraser extracellular matrix complex subunit 1; plus strand). Cytogenetic location: 4q21.21.
Variant type: single nucleotide variant.
Coding change: c.4634C>T on transcript NM_025074.7 (MANE Select); coding-DNA position 4634, C replaced by T.
Protein change: p.Pro1545Leu; replaces proline 1545 with leucine.
Molecular consequence: missense variant.
Genome position (GRCh38, 1-based): chr4:78,421,956, C>T. VCF-style: chr4-78421956-C-T. GRCh37 (hg19) VCF-style: chr4-79343110-C-T.
Other names: c.4634C>T, p.Pro1545Leu (NM_001166133.2); short protein forms P1545L.
Identifiers: ClinVar variation 349714 (VCV000349714.18), dbSNP rs201675499, ClinGen allele CA2977263.